The following is an entry in ClinVar:

ClinVar aggregate classification (germline): Pathogenic. Review status: reviewed by expert panel (3 of 4 stars). 6 submissions from 6 submitters: Pathogenic (1). 5 of the submissions do not count toward it. Last evaluated 2017-12-15.

Conditions:
Hereditary breast ovarian cancer syndrome. Also called: Hereditary breast and ovarian cancer syndrome (HBOC); BRCA1- and BRCA2-Associated Hereditary Breast and Ovarian Cancer; Hereditary breast and/or ovarian cancer syndrome; Hereditary breast and ovarian cancer syndrome; Hereditary breast and ovarian cancer; Breast and ovarian cancer. Identifiers: Orphanet 145, MedGen C0677776, MeSH D061325, MONDO:0003582. Disease mechanism: loss of function.
Hereditary cancer-predisposing syndrome. Also called: Neoplastic Syndromes, Hereditary; Hereditary neoplastic syndrome; Tumor predisposition; Hereditary Cancer Syndrome. Identifiers: Orphanet 140162, MedGen C0027672, MeSH D009386, MONDO:0015356.
BRCA1-related disorder. Also called: BRCA1-related condition.
Breast-ovarian cancer, familial, susceptibility to, 1 (BROVCA1). Also called: BRCA1 Hereditary Breast and Ovarian Cancer; OVARIAN CANCER, SUSCEPTIBILITY TO. Identifiers: Orphanet 145, MedGen C2676676, MONDO:0011450, OMIM 604370. Disease mechanism: loss of function.

Submissions (6):

Evidence-based Network for the Interpretation of Germline Mutant Alleles (ENIGMA)
Classification: Pathogenic for Breast-ovarian cancer, familial, susceptibility to, 1. Last evaluated: 2017-12-15. Review status: reviewed by expert panel. Criteria: ENIGMA BRCA1/2 Classification Criteria (2017-06-29). Collection method: curation. Allele origin: germline. Study: ENIGMA.
Comment: Variant allele predicted to encode a truncated non-functional protein.

Ambry Genetics
Classification: Pathogenic for Hereditary cancer-predisposing syndrome. Last evaluated: 2026-02-27. Review status: criteria provided, single submitter. Criteria: Ambry Variant Classification Scheme 2023. Collection method: clinical testing. Allele origin: germline. Not counted in ClinVar's aggregate classification.
Comment: The p.L1216* pathogenic mutation (also known as c.3647T>A), located in coding exon 9 of the BRCA1 gene, results from a T to A substitution at nucleotide position 3647. This changes the amino acid from a leucine to a stop codon within coding exon 9. This variant is considered to be rare based on population cohorts in the Genome Aggregation Database (gnomAD). This alteration is expected to result in loss of function by premature protein truncation or nonsense-mediated mRNA decay. As such, this alteration is interpreted as a disease-causing mutation.

Color Diagnostics, LLC DBA Color Health
Classification: Pathogenic for Hereditary cancer-predisposing syndrome. Last evaluated: 2025-05-20. Review status: criteria provided, single submitter. Criteria: ACMG Guidelines, 2015. Collection method: clinical testing. Allele origin: germline. Not counted in ClinVar's aggregate classification.
Comment: This variant changes 1 nucleotide in exon 10 of the BRCA1 gene, creating a premature translation stop signal. This variant is expected to result in an absent or non-functional protein product. The variant p.Leu1216* has been detected in two siblings affected with breast and ovarian cancer, and two other siblings affected with ovarian or tubal cancer are obligate carriers (PMID: 10634513). A multifactorial analysis has reported a likelihood ratio for pathogenicity based on personal and family history of 0.386 from log(LR)=-0.4129 for one carrier (PMID: 31853058). This variant has not been identified in the general population by the Genome Aggregation Database (gnomAD). Loss of BRCA1 function is a known mechanism of disease. Based on the available evidence, this variant is classified as Pathogenic.

Labcorp Genetics (formerly Invitae), Labcorp
Classification: Pathogenic for Hereditary breast ovarian cancer syndrome. Last evaluated: 2023-06-30. Review status: criteria provided, single submitter. Criteria: Invitae Variant Classification Sherloc (09022015). Collection method: clinical testing. Allele origin: germline. Not counted in ClinVar's aggregate classification.
Comment: This premature translational stop signal has been observed in individual(s) with personal and/or family history of breast and/or ovarian cancer (PMID: 10634513). ClinVar contains an entry for this variant (Variation ID: 431249). For these reasons, this variant has been classified as Pathogenic. This sequence change creates a premature translational stop signal (p.Leu1216*) in the BRCA1 gene. It is expected to result in an absent or disrupted protein product. Loss-of-function variants in BRCA1 are known to be pathogenic (PMID: 20104584). This variant is not present in population databases (gnomAD no frequency).

PreventionGenetics, part of Exact Sciences
Classification: Pathogenic for BRCA1-related condition. Last evaluated: 2023-03-24. Review status: criteria provided, single submitter. Criteria: ACMG Guidelines, 2015. Collection method: clinical testing. Allele origin: germline. Not counted in ClinVar's aggregate classification.
Comment: The BRCA1 c.3647T>A variant is predicted to result in premature protein termination (p.Leu1216*). This variant has been reported in two individuals from one family with breast and ovarian cancer (Yamashita Y et al 1999. PubMed ID: 10634513). This variant has not been reported in a large population database, indicating this variant is rare. This variant is classified as pathogenic in ClinVar. Nonsense variants in BRCA1 are expected to be pathogenic. This variant is interpreted as pathogenic.

Research Molecular Genetics Laboratory, Women's College Hospital, University of Toronto
Classification: Pathogenic for Hereditary breast ovarian cancer syndrome. Last evaluated: 2014-01-31. Review status: no assertion criteria provided. Collection method: research. Allele origin: germline. Affected: yes. Study: The Canadian Open Genetics Repository (COGR). Not counted in ClinVar's aggregate classification.

Literature cited by the submitters: PubMed 10634513 (cited by Color Diagnostics, LLC DBA Color Health and Labcorp Genetics (formerly Invitae), Labcorp); PubMed 31853058 (cited by Color Diagnostics, LLC DBA Color Health); PubMed 20104584 (cited by Labcorp Genetics (formerly Invitae), Labcorp).

NM_007294.4(BRCA1):c.3647T>A (p.Leu1216Ter)

Genes: BRCA1 (BRCA1 DNA repair associated; minus strand), LOC126862571 (BRD4-independent group 4 enhancer GRCh37_chr17:41243136-41244335; plus strand). Cytogenetic location: 17q21.31.
Variant type: single nucleotide variant.
Coding change: c.3647T>A on transcript NM_007294.4 (MANE Select); coding-DNA position 3647, T replaced by A.
Protein change: p.Leu1216Ter; replaces leucine 1216 with a stop codon.
Molecular consequence: nonsense. On other transcripts: intron variant (135).
Genome position (GRCh38, 1-based): chr17:43,091,884, A>T on the plus strand (T>A on the coding strand, the complement: BRCA1 is on the minus strand). VCF-style: chr17-43091884-A-T. GRCh37 (hg19) VCF-style: chr17-41243901-A-T.
Other names: c.665-852T>A (NM_001408440.1, NM_001408428.1, NM_001408441.1 and 12 more transcripts); c.671-852T>A (NM_001408418.1, NM_001408423.1, NM_001408420.1 and 2 more transcripts); c.788-852T>A (NM_001407981.1, NM_007298.4, NM_001407978.1 and 17 more transcripts); c.644-852T>A (NM_001408462.1, NM_001408470.1, NM_001408464.1 and 3 more transcripts); c.710-852T>A (NM_001408414.1, NM_001408411.1, NM_001408415.1 and 2 more transcripts); c.578-852T>A (NM_001408514.1, NM_001408485.1, NM_001408483.1 and 9 more transcripts); c.662-852T>A (NM_001408447.1, NM_001408433.1, NM_001408446.1 and 6 more transcripts); c.785-852T>A (NM_001408400.1, NM_001408392.1, NM_001407986.1 and 13 more transcripts); and 41 more; short protein forms L1216*, L1169*, L1089*, L1145*, L1175*, L1088*, L1146*, L1168*.
Identifiers: ClinVar variation 431249 (VCV000431249.14), dbSNP rs397509091, ClinGen allele CA10594675.